The following is an entry in ClinVar:

ClinVar aggregate classification (germline): Uncertain significance. Review status: criteria provided, multiple submitters, no conflicts (2 of 4 stars). 2 submissions from 2 submitters: Uncertain significance (2). Last evaluated 2025-01-22.

Allele frequency attached by ClinVar (database versions not stated): gnomAD exomes below 0.00001 and 0.00002; ExAC 0.00003.

Submissions (2):

Labcorp Genetics (formerly Invitae), Labcorp
Classification: Uncertain significance. Last evaluated: 2025-01-22. Review status: criteria provided, single submitter. Criteria: Invitae Variant Classification Sherloc (09022015). Collection method: clinical testing. Allele origin: germline.
Comment: This sequence change replaces glycine, which is neutral and non-polar, with alanine, which is neutral and non-polar, at codon 35 of the TSR2 protein (p.Gly35Ala). This variant is present in population databases (rs752591577, gnomAD 0.005%). This variant has not been reported in the literature in individuals affected with TSR2-related conditions. ClinVar contains an entry for this variant (Variation ID: 1695305). An algorithm developed to predict the effect of missense changes on protein structure and function (PolyPhen-2) suggests that this variant is likely to be disruptive. In summary, the available evidence is currently insufficient to determine the role of this variant in disease. Therefore, it has been classified as a Variant of Uncertain Significance.

CeGaT Center for Human Genetics Tuebingen
Classification: Uncertain significance. Last evaluated: 2022-06-01. Review status: criteria provided, single submitter. Criteria: CeGaT Center For Human Genetics Tuebingen Variant Classification Criteria Version 2. Collection method: clinical testing. Allele origin: germline. Affected: yes. Observed: 1 variant allele.

NM_058163.3(TSR2):c.104G>C (p.Gly35Ala)

Gene: TSR2 (TSR2 ribosome maturation factor; plus strand). Cytogenetic location: Xp11.22.
Variant type: single nucleotide variant.
Coding change: c.104G>C on transcript NM_058163.3 (MANE Select); coding-DNA position 104, G replaced by C.
Protein change: p.Gly35Ala; replaces glycine 35 with alanine.
Molecular consequence: missense variant. On other transcripts: 5 prime UTR variant (2), intron variant (1).
Genome position (GRCh38, 1-based): chrX:54,440,712, G>C. VCF-style: chrX-54440712-G-C. GRCh37 (hg19) VCF-style: chrX-54467145-G-C.
Other names: c.104G>C, p.Gly35Ala (NM_001346789.2); c.-284G>C (NM_001346790.2); c.-293G>C (NM_001346791.2); c.-114+210G>C (NM_001346792.2); short protein forms G35A.
Identifiers: ClinVar variation 1695305 (VCV001695305.33), dbSNP rs752591577, ClinGen allele CA10424787.